The following is an entry in ClinVar:

NM_000937.5(POLR2A):c.3814-9_3814-8del

Gene: POLR2A (RNA polymerase II subunit A; plus strand). Cytogenetic location: 17p13.1.
Variant type: Microsatellite.
Coding change: c.3814-9_3814-8del on transcript NM_000937.5 (MANE Select); 9 bases into the intron before coding-DNA position 3814 through 8 bases into the intron before coding-DNA position 3814, 2 bases deleted (TC; older notation c.3814-9_3814-8delTC).
Molecular consequence: intron variant.
Genome position (GRCh38, 1-based): chr17:7,511,206-7,511,207, TC deleted; deleting any 2 consecutive bases within chr17:7,511,203-7,511,207 gives the same sequence; the c. name uses the placement nearest the transcript's 3' end. VCF-style (leftmost placement, unchanged base first): chr17-7511202-ACT-A. GRCh37 (hg19) VCF-style: chr17-7414521-ACT-A.
Identifiers: ClinVar variation 4085082 (VCV004085082.8).

ClinVar aggregate classification (germline): Uncertain significance (1 of 4 stars; one submission).

Submission:

CeGaT Center for Human Genetics Tuebingen
Classification: Uncertain significance. Last evaluated: 2025-07-01. Review status: criteria provided, single submitter. Criteria: CeGaT Center For Human Genetics Tuebingen Variant Classification Criteria Version 2. Collection method: clinical testing. Allele origin: germline. Affected: yes. Observed: 1 variant allele.
Comment: POLR2A: PM2, BP4